The following is an entry in ClinVar:

ClinVar aggregate classification (germline): Uncertain significance (1 of 4 stars; one submission).

Conditions:
Inborn genetic diseases. Identifiers: MedGen C0950123, MeSH D030342.

gnomAD v4.1: 1 of 1,525,146 alleles (0.000066%); highest among the groups gnomAD compares: African/African-American, 0.0014%; no homozygotes.

Submission:

Ambry Genetics
Classification: Uncertain significance for Inborn genetic diseases. Last evaluated: 2025-07-25. Review status: criteria provided, single submitter. Criteria: Ambry Variant Classification Scheme 2023. Collection method: clinical testing. Allele origin: germline.
Comment: The p.S2Y variant (also known as c.5C>A), located in coding exon 1 of the FANCA gene, results from a C to A substitution at nucleotide position 5. The serine at codon 2 is replaced by tyrosine, an amino acid with dissimilar properties. This amino acid position is conserved. In addition, the in silico prediction for this alteration is inconclusive. Based on the available evidence, the clinical significance of this variant remains unclear.

NM_000135.4(FANCA):c.5C>A (p.Ser2Tyr)

Genes: FANCA (FA complementation group A; minus strand), LOC112486223 (Sharpr-MPRA regulatory region 3988; plus strand). Cytogenetic location: 16q24.3.
Variant type: single nucleotide variant.
Coding change: c.5C>A on transcript NM_000135.4 (MANE Select); coding-DNA position 5, C replaced by A.
Protein change: p.Ser2Tyr; replaces serine 2 with tyrosine.
Molecular consequence: missense variant.
Genome position (GRCh38, 1-based): chr16:89,816,611, G>T on the plus strand (C>A on the coding strand, the complement: FANCA is on the minus strand). VCF-style: chr16-89816611-G-T. GRCh37 (hg19) VCF-style: chr16-89883019-G-T.
Other names: c.5C>A, p.Ser2Tyr (NM_001018112.3, NM_001286167.3, NM_001351830.2); short protein forms S2Y.
Identifiers: ClinVar variation 4254224 (VCV004254224.1).